The following is an entry in ClinVar:

ClinVar aggregate classification (germline): Pathogenic/Likely pathogenic. Review status: criteria provided, multiple submitters, no conflicts (2 of 4 stars). 3 submissions from 3 submitters: Pathogenic (1); Likely pathogenic (2). Last evaluated 2023-09-17.

Conditions:
Hereditary breast ovarian cancer syndrome. Also called: Breast and ovarian cancer; BRCA1- and BRCA2-Associated Hereditary Breast and Ovarian Cancer; Hereditary breast and ovarian cancer syndrome (HBOC); Hereditary breast and ovarian cancer; Hereditary breast and/or ovarian cancer syndrome; Hereditary breast and ovarian cancer syndrome. Identifiers: Orphanet 145, MedGen C0677776, MeSH D061325, MONDO:0003582. Disease mechanism: loss of function.

Submissions (3):

Labcorp Genetics (formerly Invitae), Labcorp
Classification: Pathogenic for Hereditary breast ovarian cancer syndrome. Last evaluated: 2023-09-17. Review status: criteria provided, single submitter. Criteria: Invitae Variant Classification Sherloc (09022015). Collection method: clinical testing. Allele origin: germline.
Comment: For these reasons, this variant has been classified as Pathogenic. ClinVar contains an entry for this variant (Variation ID: 496368). This variant has not been reported in the literature in individuals affected with BRCA1-related conditions. This variant is not present in population databases (gnomAD no frequency). This sequence change creates a premature translational stop signal (p.Ile1159Asnfs*6) in the BRCA1 gene. It is expected to result in an absent or disrupted protein product. Loss-of-function variants in BRCA1 are known to be pathogenic (PMID: 20104584).

Quest Diagnostics Nichols Institute San Juan Capistrano
Classification: Likely pathogenic. Last evaluated: 2018-03-31. Review status: criteria provided, single submitter. Criteria: Quest Diagnostics criteria. Collection method: clinical testing. Allele origin: germline.

Women's Health and Genetics/Laboratory Corporation of America, LabCorp
Classification: Likely pathogenic for Hereditary breast ovarian cancer syndrome. Last evaluated: 2016-12-05. Review status: criteria provided, single submitter. Criteria: LabCorp Variant Classification Summary - May 2015. Collection method: clinical testing. Allele origin: germline.
Comment: Variant summary: The BRCA1 c.3475dupA (p.Ile1159Asnfs) variant results in a premature termination codon, predicted to cause a truncated or absent BRCA1 protein due to nonsense mediated decay, which are commonly known mechanisms for disease. Truncations downstream of this position have been classified as pathogenic by our laboratory (e.g. c.3481_3491delGAAGATACTAG (p.Glu1161fs), c.3485delA (p.Asp1162fs), and c.3582_3589delCCATACAC (p.His1195fs). The variant of interest has not been observed in controls, nor has it been, to our knowledge, reported in affected individuals via publications and/or clinical diagnostic laboratores/databases. Therefore, until additional information becomes available, due to the nature of this variant causes a known mechanism of disease, the variant of interest has been classified as "Likely Pathogenic."

Literature cited by the submitters: PubMed 20104584 (cited by Labcorp Genetics (formerly Invitae), Labcorp).

NM_007294.4(BRCA1):c.3475dup (p.Ile1159fs)

Genes: BRCA1 (BRCA1 DNA repair associated; minus strand), LOC126862571 (BRD4-independent group 4 enhancer GRCh37_chr17:41243136-41244335; plus strand). Cytogenetic location: 17q21.31.
Variant type: Duplication.
Coding change: c.3475dup on transcript NM_007294.4 (MANE Select); coding-DNA position 3475, one base duplicated (A; older notation c.3475dupA).
Protein change: p.Ile1159fs; shifts the reading frame from isoleucine 1159.
Molecular consequence: frameshift variant. On other transcripts: intron variant (135).
Genome position (GRCh38, 1-based): chr17:43,092,056, T duplicated on the plus strand (A on the coding strand, the reverse complement: BRCA1 is on the minus strand); the first of 3 consecutive T bases (chr17:43,092,056-43,092,058); duplicating any one gives the same sequence. VCF-style (leftmost placement, unchanged base first): chr17-43092055-A-AT. GRCh37 (hg19) VCF-style: chr17-41244072-A-AT.
Other names: c.3475dup, p.Ile1159fs (NM_007294.3, NM_001407581.1, NM_001407582.1 and 31 more transcripts); c.3475dupA (NM_007294.3); c.3262dup, p.Ile1088fs (NM_001407571.1, NM_001407853.1, NM_001407894.1 and 9 more transcripts); c.3472dup, p.Ile1158fs (NM_001407587.1, NM_001407590.1, NM_001407591.1 and 22 more transcripts); c.3466dup, p.Ile1156fs (NM_001407646.1, NM_001407647.1); c.3352dup, p.Ile1118fs (NM_001407648.1, NM_001407664.1, NM_001407665.1 and 19 more transcripts); c.3349dup, p.Ile1117fs (NM_001407649.1, NM_001407670.1, NM_001407671.1 and 11 more transcripts); c.3397dup, p.Ile1133fs (NM_001407653.1, NM_001407654.1, NM_001407655.1 and 4 more transcripts); and 42 more; short protein forms I1112fs, I1159fs, I1070fs, I1088fs, I1117fs, I1133fs, I991fs, I1031fs.
Identifiers: ClinVar variation 496368 (VCV000496368.11), dbSNP rs1555587638, ClinGen allele CA658684114.